The following is an entry in ClinVar:

NM_000550.3(TYRP1):c.923A>G (p.Asp308Gly)

Genes: LURAP1L-AS1 (LURAP1L antisense RNA 1; minus strand), TYRP1 (tyrosinase related protein 1; plus strand). Cytogenetic location: 9p23.
Variant type: single nucleotide variant.
Coding change: c.923A>G on transcript NM_000550.3 (MANE Select); coding-DNA position 923, A replaced by G.
Protein change: p.Asp308Gly; replaces aspartic acid 308 with glycine.
Molecular consequence: missense variant.
Genome position (GRCh38, 1-based): chr9:12,702,280, A>G. VCF-style: chr9-12702280-A-G. GRCh37 (hg19) VCF-style: chr9-12702280-A-G.
Other names: short protein forms D308G.
Identifiers: ClinVar variation 1060357 (VCV001060357.6), dbSNP rs990957770, ClinGen allele CA189311855.
Genomic context (GRCh38, chr9:12,702,280, plus strand): 5'-AAGAACTCCAAACATTGTGTAAATGTTTCCACATCCCATTTTTTTCTGCAGGCACCGAGG[A>G]TGGGCCAATTAGGAGAAATCCAGCTGGAAATGTGGCCAGACCAATGGTGCAACGTCTTCC-3'
Protein context (NP_000541.1, residues 298-318): TLGTLCNSTE[Asp308Gly]GPIRRNPAGN

ClinVar aggregate classification (germline): Uncertain significance (1 of 4 stars; one submission).

Allele frequency attached by ClinVar (database versions not stated): gnomAD exomes below 0.00001 and 0.00001; TOPMed below 0.00001; gnomAD 0.00001.
gnomAD v4.1: 7 of 1,612,932 alleles (0.00043%); highest among the groups gnomAD compares: Non-Finnish European, 0.00059%; no homozygotes.

Submission:

Labcorp Genetics (formerly Invitae), Labcorp
Classification: Uncertain significance. Last evaluated: 2021-09-01. Review status: criteria provided, single submitter. Criteria: Invitae Variant Classification Sherloc (09022015). Collection method: clinical testing. Allele origin: germline.
Comment: This sequence change replaces aspartic acid with glycine at codon 308 of the TYRP1 protein (p.Asp308Gly). The aspartic acid residue is weakly conserved and there is a moderate physicochemical difference between aspartic acid and glycine. This variant is not present in population databases (ExAC no frequency). This variant has not been reported in the literature in individuals affected with TYRP1-related conditions. Algorithms developed to predict the effect of missense changes on protein structure and function output the following: SIFT: "Tolerated"; PolyPhen-2: "Benign"; Align-GVGD: "Class C0". The glycine amino acid residue is found in multiple mammalian species, which suggests that this missense change does not adversely affect protein function. Algorithms developed to predict the effect of sequence changes on RNA splicing suggest that this variant may create or strengthen a splice site. In summary, the available evidence is currently insufficient to determine the role of this variant in disease. Therefore, it has been classified as a Variant of Uncertain Significance.